The following is an entry in ClinVar:

NM_004984.4(KIF5A):c.3020G>A (p.Arg1007Lys)

Gene: KIF5A (kinesin family member 5A; plus strand). Cytogenetic location: 12q13.3.
Variant type: single nucleotide variant.
Coding change: c.3020G>A on transcript NM_004984.4 (MANE Select); coding-DNA position 3020, G replaced by A.
Protein change: p.Arg1007Lys; replaces arginine 1007 with lysine.
Molecular consequence: missense variant.
Genome position (GRCh38, 1-based): chr12:57,582,629, G>A. VCF-style: chr12-57582629-G-A. GRCh37 (hg19) VCF-style: chr12-57976412-G-A.
Other names: p.Arg1007Lys; c.2753G>A, p.Arg918Lys (NM_001354705.2); short protein forms R1007K, R918K.
Identifiers: ClinVar variation 409669 (VCV000409669.12), dbSNP rs1060502523, ClinGen allele CA16613765.

ClinVar aggregate classification (germline): Pathogenic/Likely pathogenic. Review status: criteria provided, multiple submitters, no conflicts (2 of 4 stars). 3 submissions from 3 submitters: Pathogenic (2); Likely pathogenic (1). Last evaluated 2026-01-20.

Conditions:
Spastic paraplegia. Identifiers: MedGen C0037772, HP:0001258.

Allele frequency attached by ClinVar (database versions not stated): gnomAD exomes below 0.00001.

Submissions (3):

Labcorp Genetics (formerly Invitae), Labcorp
Classification: Pathogenic for Spastic paraplegia. Last evaluated: 2026-01-20. Review status: criteria provided, single submitter. Criteria: Invitae Variant Classification Sherloc (09022015). Collection method: clinical testing. Allele origin: germline.
Comment: This sequence change replaces arginine, which is basic and polar, with lysine, which is basic and polar, at codon 1007 of the KIF5A protein (p.Arg1007Lys). RNA analysis indicates that this missense change induces altered splicing and likely disrupts the C-terminus of the protein. This variant is present in population databases (no rsID available, gnomAD 0.0009%). This missense change has been observed in individuals with amyotrophic lateral sclerosis (PMID: 29566793, 36604770; internal data). It has also been observed to segregate with disease in related individuals. ClinVar contains an entry for this variant (Variation ID: 409669). An algorithm developed to predict the effect of missense changes on protein structure and function (PolyPhen-2) suggests that this variant is likely to be disruptive. Variants that disrupt the consensus splice site are a relatively common cause of aberrant splicing (PMID: 17576681, 9536098). Studies have shown that this missense change results in skipping of exon 27 and introduces a new termination codon (PMID: 37593923). However the mRNA is not expected to undergo nonsense-mediated decay. Other variant(s) that result in exon 27 skipping have been determined to be pathogenic (PMID: 29342275, 29566793). This suggests that this variant may also be clinically significant and likely to be disease-causing. For these reasons, this variant has been classified as Pathogenic.

Mayo Clinic Laboratories, Mayo Clinic
Classification: Pathogenic. Last evaluated: 2025-08-06. Review status: criteria provided, single submitter. Criteria: ACMG Guidelines, 2015. Collection method: clinical testing. Allele origin: germline. Observed: 1 variant allele.
Comment: PP1_moderate, PM1, PM2_supporting, PM5, PS3, PS4_moderate

GeneDx
Classification: Likely pathogenic. Last evaluated: 2020-01-06. Review status: criteria provided, single submitter. Criteria: GeneDx Variant Classification Process June 2021. Collection method: clinical testing. Allele origin: germline. Affected: yes.
Comment: Variant impacting the last nucleotide of the exon, immediately adjacent to the donor site, in a gene for which loss-of-function is a known mechanism of disease, and both in silico predictors and evolutionary conservation support a deleterious effect; Not observed at a significant frequency in large population cohorts (Lek et al., 2016); This variant is associated with the following publications: (PMID: 29566793)

Literature cited by the submitters: PubMed 29566793 (cited by Labcorp Genetics (formerly Invitae), Labcorp and Mayo Clinic Laboratories, Mayo Clinic); PubMed 36604770 (cited by Labcorp Genetics (formerly Invitae), Labcorp and Mayo Clinic Laboratories, Mayo Clinic); PubMed 17576681 (cited by Labcorp Genetics (formerly Invitae), Labcorp); PubMed 9536098 (cited by Labcorp Genetics (formerly Invitae), Labcorp); PubMed 37593923 (cited by Labcorp Genetics (formerly Invitae), Labcorp and Mayo Clinic Laboratories, Mayo Clinic); PubMed 29342275 (cited by Labcorp Genetics (formerly Invitae), Labcorp); PubMed 35385738 (cited by Mayo Clinic Laboratories, Mayo Clinic); PubMed 35430760 (cited by Mayo Clinic Laboratories, Mayo Clinic); PubMed 35714755 (cited by Mayo Clinic Laboratories, Mayo Clinic); PubMed 35735139 (cited by Mayo Clinic Laboratories, Mayo Clinic); PubMed 40225153 (cited by Mayo Clinic Laboratories, Mayo Clinic).